The following is an entry in ClinVar:

ClinVar aggregate classification (germline): Uncertain significance. Review status: criteria provided, multiple submitters, no conflicts (2 of 4 stars). 2 submissions from 2 submitters: Uncertain significance (2). Last evaluated 2025-04-10.

Conditions:
Inborn genetic diseases. Identifiers: MedGen C0950123, MeSH D030342.
Postaxial polydactyly-anterior pituitary anomalies-facial dysmorphism syndrome. Also called: Culler-Jones syndrome. Identifiers: Orphanet 420584, MedGen C4014479, MONDO:0014369, OMIM 615849.
Holoprosencephaly 9 (HPE9). Also called: HOLOPROSENCEPHALY WITH MICROPHTHALMIA AND FIRST BRANCHIAL ARCH ANOMALIES; PITUITARY ANOMALIES WITH HOLOPROSENCEPHALY-LIKE FEATURES. Identifiers: Orphanet 2162, MedGen C1835819, MONDO:0012563, OMIM 610829.

Allele frequency attached by ClinVar (database versions not stated): gnomAD exomes below 0.00001.
gnomAD v4.1: 4 of 1,609,494 alleles (0.00025%); highest among the groups gnomAD compares: Non-Finnish European, 0.00034%; no homozygotes.

Submissions (2):

Ambry Genetics
Classification: Uncertain significance for Inborn genetic diseases. Last evaluated: 2025-04-10. Review status: criteria provided, single submitter. Criteria: Ambry Variant Classification Scheme 2023. Collection method: clinical testing. Allele origin: germline.

Labcorp Genetics (formerly Invitae), Labcorp
Classification: Uncertain significance for Postaxial polydactyly-anterior pituitary anomalies-facial dysmorphism syndrome; Holoprosencephaly 9. Last evaluated: 2025-03-31. Review status: criteria provided, single submitter. Criteria: Invitae Variant Classification Sherloc (09022015). Collection method: clinical testing. Allele origin: germline.
Comment: This sequence change replaces valine, which is neutral and non-polar, with alanine, which is neutral and non-polar, at codon 83 of the GLI2 protein (p.Val83Ala). This variant is present in population databases (no rsID available, gnomAD 0.0009%). This variant has not been reported in the literature in individuals affected with GLI2-related conditions. ClinVar contains an entry for this variant (Variation ID: 2399119). An algorithm developed to predict the effect of missense changes on protein structure and function (PolyPhen-2) suggests that this variant is likely to be tolerated. In summary, the available evidence is currently insufficient to determine the role of this variant in disease. Therefore, it has been classified as a Variant of Uncertain Significance.

NM_001374353.1(GLI2):c.248T>C (p.Val83Ala)

Gene: GLI2 (GLI family zinc finger 2; plus strand). Cytogenetic location: 2q14.2.
Variant type: single nucleotide variant.
Coding change: c.248T>C on transcript NM_001374353.1 (MANE Select); coding-DNA position 248, T replaced by C.
Protein change: p.Val83Ala; replaces valine 83 with alanine.
Molecular consequence: missense variant. On other transcripts: intron variant (1).
Genome position (GRCh38, 1-based): chr2:120,927,460, T>C. VCF-style: chr2-120927460-T-C. GRCh37 (hg19) VCF-style: chr2-121685036-T-C.
Other names: c.248T>C, p.Val83Ala (NM_001371271.1, NM_005270.5); c.-121-23783T>C (NM_001374354.1); short protein forms V83A.
Identifiers: ClinVar variation 2399119 (VCV002399119.6), dbSNP rs999987091, ClinGen allele CA54390142.